The following is an entry in ClinVar:

ClinVar aggregate classification (germline): Uncertain significance (1 of 4 stars; one submission).

Allele frequency attached by ClinVar (database versions not stated): TOPMed below 0.00001.

Submission:

Labcorp Genetics (formerly Invitae), Labcorp
Classification: Uncertain significance. Last evaluated: 2021-01-12. Review status: criteria provided, single submitter. Criteria: Invitae Variant Classification Sherloc (09022015). Collection method: clinical testing. Allele origin: germline.
Comment: In summary, the available evidence is currently insufficient to determine the role of this variant in disease. Therefore, it has been classified as a Variant of Uncertain Significance. Algorithms developed to predict the effect of missense changes on protein structure and function (SIFT, PolyPhen-2, Align-GVGD) all suggest that this variant is likely to be tolerated, but these predictions have not been confirmed by published functional studies and their clinical significance is uncertain. This variant has not been reported in the literature in individuals with GEN1-related conditions. This variant is not present in population databases (ExAC no frequency). This sequence change replaces proline with leucine at codon 570 of the GEN1 protein (p.Pro570Leu). The proline residue is moderately conserved and there is a moderate physicochemical difference between proline and leucine.

NM_001130009.3(GEN1):c.1709C>T (p.Pro570Leu)

Gene: GEN1 (GEN1 structure-specific endonuclease; plus strand). Cytogenetic location: 2p24.2.
Variant type: single nucleotide variant.
Coding change: c.1709C>T on transcript NM_001130009.3 (MANE Select); coding-DNA position 1709, C replaced by T.
Protein change: p.Pro570Leu; replaces proline 570 with leucine.
Molecular consequence: missense variant.
Genome position (GRCh38, 1-based): chr2:17,780,921, C>T. VCF-style: chr2-17780921-C-T. GRCh37 (hg19) VCF-style: chr2-17962188-C-T.
Other names: c.1709C>T, p.Pro570Leu (NM_182625.5); short protein forms P570L.
Identifiers: ClinVar variation 1403222 (VCV001403222.8), dbSNP rs1672795795, ClinGen allele CA345926457.
Genomic context (GRCh38, chr2:17,780,921, plus strand): 5'-CTTTGGCTATACAGCAAATTAAAGCTGTCAGTAAGTCTCTAATTTCAGAATCTAGTCAAC[C>T]CAATACCTCATCTCATAATATATCCGTGATTGCTGATCTACACTTGAGCACTATTGACTG-3'
Protein context (NP_001123481.3, residues 560-580): SKSLISESSQ[Pro570Leu]NTSSHNISVI